The following is an entry in ClinVar:

ClinVar aggregate classification (germline): Uncertain significance. Review status: criteria provided, multiple submitters, no conflicts (2 of 4 stars). 3 submissions from 3 submitters: Uncertain significance (3). Last evaluated 2023-07-12.

Conditions:
Cardiovascular phenotype. Identifiers: MedGen CN230736.

Submissions (3):

Mayo Clinic Laboratories, Mayo Clinic
Classification: Uncertain significance. Last evaluated: 2023-07-12. Review status: criteria provided, single submitter. Criteria: ACMG Guidelines, 2015. Collection method: clinical testing. Allele origin: germline. Observed: 1 variant allele.
Comment: PM2

Labcorp Genetics (formerly Invitae), Labcorp
Classification: Uncertain significance. Last evaluated: 2021-11-12. Review status: criteria provided, single submitter. Criteria: Invitae Variant Classification Sherloc (09022015). Collection method: clinical testing. Allele origin: germline.
Comment: This sequence change replaces alanine, which is neutral and non-polar, with aspartic acid, which is acidic and polar, at codon 2904 of the ZNF469 protein (p.Ala2904Asp). This variant is present in population databases (no rsID available, gnomAD 0.1%). This variant has not been reported in the literature in individuals affected with ZNF469-related conditions. Algorithms developed to predict the effect of missense changes on protein structure and function are either unavailable or do not agree on the potential impact of this missense change (SIFT: "Not Available"; PolyPhen-2: "Benign"; Align-GVGD: "Not Available"). In summary, the available evidence is currently insufficient to determine the role of this variant in disease. Therefore, it has been classified as a Variant of Uncertain Significance.

Ambry Genetics
Classification: Uncertain significance for Cardiovascular phenotype. Last evaluated: 2020-03-26. Review status: criteria provided, single submitter. Criteria: Ambry Variant Classification Scheme 2023. Collection method: clinical testing. Allele origin: germline.
Comment: The p.A2904D variant (also known as c.8711_8712delCAinsAT), located in coding exon 2 of the ZNF469 gene, results from the deletion of two nucleotides and insertion of two nucleotides at nucleotide positions 8711 and 8712. The alanine at codon 2904 is replaced by aspartic acid, an amino acid with dissimilar properties. This amino acid position is poorly conserved in available vertebrate species. In addition, this alteration is predicted to be neutral by in silico analysis (Choi Y et al. PLoS ONE. 2012; 7(10):e46688). Since supporting evidence is limited at this time, the clinical significance of this alteration remains unclear.

NM_001367624.2(ZNF469):c.8795_8796delinsAT (p.Ala2932Asp)

Gene: ZNF469 (zinc finger protein 469; plus strand). Cytogenetic location: 16q24.2.
Variant type: Indel.
Coding change: c.8795_8796delinsAT on transcript NM_001367624.2 (MANE Select); coding-DNA positions 8795 to 8796, CA replaced by AT.
Protein change: p.Ala2932Asp; replaces alanine 2932 with aspartic acid.
Molecular consequence: missense variant.
Genome position (GRCh38, 1-based): chr16:88,436,265-88,436,266, CA replaced by AT. VCF-style: chr16-88436265-CA-AT. GRCh37 (hg19) VCF-style: chr16-88502673-CA-AT.
Other names: NM_001127464.1:c.8711_8712delCAinsAT; p.Ala2932Asp; short protein forms A2932D.
Identifiers: ClinVar variation 1482270 (VCV001482270.6), dbSNP rs2142312990, ClinGen allele CA2573152833.
Genomic context (GRCh38, chr16:88,436,265, plus strand): 5'-TCAGCGACTCCAGCTCCCTCTGCCTCTGCCATGAGGACCCGTGGGAGGACGAGGATCCCG[CA>AT]GGTCTGCCCGAGTCCTTCCTCCTGGATGGGTTCCTCAATAGCAGGGTGCCTGGCATTGAC-3'
Protein context (NP_001354553.1, residues 2922-2942): HEDPWEDEDP[Ala2932Asp]GLPESFLLDG